The following is an entry in ClinVar:

ClinVar aggregate classification (germline): Uncertain significance (1 of 4 stars; one submission).

Conditions:
Familial thoracic aortic aneurysm and aortic dissection (TAAD). Also called: Thoracic aortic aneurysms and dissections. Identifiers: Orphanet 91387, MedGen C4707243, MONDO:0019625.

Submission:

Color Diagnostics, LLC DBA Color Health
Classification: Uncertain significance for Familial thoracic aortic aneurysm and aortic dissection. Last evaluated: 2025-06-03. Review status: criteria provided, single submitter. Criteria: ACMG Guidelines, 2015. Collection method: clinical testing. Allele origin: germline.
Comment: This variant causes a G to A nucleotide substitution at the +1 position of intron 8 of the FBN1 gene. Splice site prediction tools suggest that this variant may have a significant impact on RNA splicing. Although this prediction has not been confirmed in published RNA studies, this variant is expected to result in an absent or disrupted protein product. This variant has not been reported in individuals affected with FBN1-related disorders in the literature. This variant has not been identified in the general population by the Genome Aggregation Database (gnomAD). Although there is suspicion that this variant may be associated with disease, additional studies are necessary to determine the role of this variant in disease conclusively. Therefore, this variant is classified as a Variant of Uncertain Significance.

NM_000138.5(FBN1):c.862+1G>A

Gene: FBN1 (fibrillin 1; minus strand). Cytogenetic location: 15q21.1.
Variant type: single nucleotide variant.
Coding change: c.862+1G>A on transcript NM_000138.5 (MANE Select); the canonical splice donor site of the intron after coding-DNA position 862, G replaced by A.
Molecular consequence: splice donor variant.
Genome position (GRCh38, 1-based): chr15:48,534,079, C>T on the plus strand (G>A on the coding strand, the complement: FBN1 is on the minus strand). VCF-style: chr15-48534079-C-T. GRCh37 (hg19) VCF-style: chr15-48826276-C-T.
Other names: c.862+1G>A (NM_001406716.1, NM_001406717.1).
Identifiers: ClinVar variation 4756684 (VCV004756684.1).